The following is an entry in ClinVar:

NM_001040105.2(MUC17):c.6933T>C (p.Thr2311=)

Gene: MUC17 (mucin 17, cell surface associated; plus strand). Cytogenetic location: 7q22.1.
Variant type: single nucleotide variant.
Coding change: c.6933T>C on transcript NM_001040105.2 (MANE Select); coding-DNA position 6933, T replaced by C.
Protein change: p.Thr2311=; no amino-acid change (threonine 2311 retained).
Molecular consequence: synonymous variant. On other transcripts: non-coding transcript variant (1).
Genome position (GRCh38, 1-based): chr7:101,038,349, T>C. VCF-style: chr7-101038349-T-C. GRCh37 (hg19) VCF-style: chr7-100681630-T-C.
Identifiers: ClinVar variation 2657842 (VCV002657842.24), dbSNP rs11983379, ClinGen allele CA4402926.

ClinVar aggregate classification (germline): Likely benign (1 of 4 stars; one submission).

Allele frequency attached by ClinVar (database versions not stated): gnomAD exomes 0.00029; ExAC 0.00079; 1000 Genomes Project 30x 0.00203; 1000 Genomes Project 0.00220; gnomAD 0.00317; TOPMed 0.00331.
gnomAD v4.1: 918 of 1,608,954 alleles (0.057%); highest among the groups gnomAD compares: African/African-American, 1%; 8 homozygotes.

Submission:

CeGaT Center for Human Genetics Tuebingen
Classification: Likely benign. Last evaluated: 2022-06-01. Review status: criteria provided, single submitter. Criteria: CeGaT Center For Human Genetics Tuebingen Variant Classification Criteria Version 2. Collection method: clinical testing. Allele origin: germline. Affected: yes. Observed: 1 variant allele.
Comment: MUC17: BP4, BP7